The following is an entry in ClinVar:

ClinVar aggregate classification (germline): Uncertain significance (1 of 4 stars; one submission).

Conditions:
Gorlin syndrome. Also called: Nevoid Basal Cell Carcinoma Syndrome; Basal cell nevus syndrome. Identifiers: Orphanet 377, MedGen C0004779, MONDO:0007187.
Medulloblastoma (MDB). Also called: MEDULLOBLASTOMA PREDISPOSITION SYNDROME; Medulloblastoma, somatic. Identifiers: Orphanet 616, MedGen C0025149, MeSH D008527, MONDO:0007959, OMIM 155255, HP:0002885.

Submission:

Labcorp Genetics (formerly Invitae), Labcorp
Classification: Uncertain significance for Gorlin syndrome; Medulloblastoma. Last evaluated: 2022-09-03. Review status: criteria provided, single submitter. Criteria: Invitae Variant Classification Sherloc (09022015). Collection method: clinical testing. Allele origin: germline.
Comment: In summary, the available evidence is currently insufficient to determine the role of this variant in disease. Therefore, it has been classified as a Variant of Uncertain Significance. Algorithms developed to predict the effect of missense changes on protein structure and function (SIFT, PolyPhen-2, Align-GVGD) all suggest that this variant is likely to be disruptive. This variant has not been reported in the literature in individuals affected with SUFU-related conditions. This variant is not present in population databases (gnomAD no frequency). This sequence change replaces serine, which is neutral and polar, with isoleucine, which is neutral and non-polar, at codon 346 of the SUFU protein (p.Ser346Ile).

NM_016169.4(SUFU):c.1037G>T (p.Ser346Ile)

Gene: SUFU (SUFU negative regulator of hedgehog signaling; plus strand). Cytogenetic location: 10q24.32.
Variant type: single nucleotide variant.
Coding change: c.1037G>T on transcript NM_016169.4 (MANE Select); coding-DNA position 1037, G replaced by T.
Protein change: p.Ser346Ile; replaces serine 346 with isoleucine.
Molecular consequence: missense variant.
Genome position (GRCh38, 1-based): chr10:102,615,282, G>T. VCF-style: chr10-102615282-G-T. GRCh37 (hg19) VCF-style: chr10-104375039-G-T.
Other names: c.1037G>T, p.Ser346Ile (NM_001178133.2); short protein forms S346I.
Identifiers: ClinVar variation 1718732 (VCV001718732.6), dbSNP rs2063673090, ClinGen allele CA377913653.